The following is an entry in ClinVar:

ClinVar aggregate classification (germline): Uncertain significance. Review status: criteria provided, single submitter (1 of 4 stars). 2 submissions from 2 submitters: Uncertain significance (1). 1 of the submissions does not count toward it. Last evaluated 2024-06-11.

Conditions:
Retinal dystrophy. Also called: Inherited retinal dystrophy. Identifiers: Orphanet 71862, MedGen C0854723, MeSH D058499, MONDO:0019118, HP:0000556.

Allele frequency attached by ClinVar (database versions not stated): gnomAD exomes below 0.00001; TOPMed below 0.00001.
gnomAD v4.1: 3 of 1,614,248 alleles (0.00019%); highest among the groups gnomAD compares: South Asian, 0.0022%; no homozygotes.

Submissions (2):

Women's Health and Genetics/Laboratory Corporation of America, LabCorp
Classification: Uncertain significance. Last evaluated: 2024-06-11. Review status: criteria provided, single submitter. Criteria: LabCorp Variant Classification Summary - May 2015. Collection method: clinical testing. Allele origin: germline.
Comment: Variant summary: CRB1 c.254G>A (p.Cys85Tyr) results in a non-conservative amino acid change located in the EGF-like domain (IPR000742) of the encoded protein sequence. Five of five in-silico tools predict a damaging effect of the variant on protein function. The variant was absent in 251474 control chromosomes. The available data on variant occurrences in the general population are insufficient to allow any conclusion about variant significance. c.254G>A has been reported in the literature in a compound heterozygous individual affected with cone-rod dystrophy (Carrs_2017). These data do not allow any conclusion about variant significance. To our knowledge, no experimental evidence demonstrating an impact on protein function has been reported. The following publications have been ascertained in the context of this evaluation (PMID: 28041643, 36099972). ClinVar contains an entry for this variant (Variation ID: 438075). Based on the evidence outlined above, the variant was classified as uncertain significance.

NIHR Bioresource Rare Diseases, University of Cambridge
Classification: Likely pathogenic for Retinal dystrophy. Last evaluated: 2015-01-01. Review status: no assertion criteria provided. Collection method: research. Allele origin: unknown. Affected: yes. Observed: 1 variant allele. Not counted in ClinVar's aggregate classification.

Literature cited by the submitters: PubMed 28041643 (cited by Women's Health and Genetics/Laboratory Corporation of America, LabCorp and NIHR Bioresource Rare Diseases, University of Cambridge); PubMed 36099972 (cited by Women's Health and Genetics/Laboratory Corporation of America, LabCorp).

NM_201253.3(CRB1):c.254G>A (p.Cys85Tyr)

Gene: CRB1 (crumbs cell polarity complex component 1; plus strand). Cytogenetic location: 1q31.3.
Variant type: single nucleotide variant.
Coding change: c.254G>A on transcript NM_201253.3 (MANE Select); coding-DNA position 254, G replaced by A.
Protein change: p.Cys85Tyr; replaces cysteine 85 with tyrosine.
Molecular consequence: missense variant. On other transcripts: non-coding transcript variant (2).
Genome position (GRCh38, 1-based): chr1:197,328,605, G>A. VCF-style: chr1-197328605-G-A. GRCh37 (hg19) VCF-style: chr1-197297735-G-A.
Other names: c.254G>A, p.Cys85Tyr (NM_001193640.2, NM_001257966.2); c.47G>A, p.Cys16Tyr (NM_001257965.2); short protein forms C85Y, C16Y.
Identifiers: ClinVar variation 438075 (VCV000438075.3), dbSNP rs1553249226, ClinGen allele CA344085378.